The following is an entry in ClinVar:

NM_130811.4(SNAP25):c.94A>G (p.Met32Val)

Gene: SNAP25 (synaptosome associated protein 25; plus strand). Cytogenetic location: 20p12.2.
Variant type: single nucleotide variant.
Coding change: c.94A>G on transcript NM_130811.4 (MANE Select); coding-DNA position 94, A replaced by G.
Protein change: p.Met32Val; replaces methionine 32 with valine.
Molecular consequence: missense variant.
Genome position (GRCh38, 1-based): chr20:10,277,706, A>G. VCF-style: chr20-10277706-A-G. GRCh37 (hg19) VCF-style: chr20-10258354-A-G.
Other names: c.94A>G, p.Met32Val (NM_001322902.2, NM_001322903.2, NM_001322904.2 and 9 more transcripts); short protein forms M32V.
Identifiers: ClinVar variation 5009123 (VCV005009123.1).

ClinVar aggregate classification (germline): Uncertain significance (1 of 4 stars; one submission).

Submission:

GeneDx
Classification: Uncertain significance. Last evaluated: 2026-03-13. Review status: criteria provided, single submitter. Criteria: GeneDx Variant Classification Process June 2021. Collection method: clinical testing. Allele origin: germline.
Comment: Not observed at significant frequency in large population cohorts (gnomAD); In silico analysis supports that this missense variant has a deleterious effect on protein structure/function; Has not been previously published as pathogenic or benign to our knowledge